The following is an entry in ClinVar:

ClinVar aggregate classification (germline): Uncertain significance (1 of 4 stars; one submission).

Conditions:
Primary ciliary dyskinesia 6. Also called: Primary Ciliary Dyskinesia 6: TXNDC3-Related Primary Ciliary Dyskinesia. Identifiers: Orphanet 244, MedGen C1970506, MONDO:0012571, OMIM 610852.

Allele frequency attached by ClinVar (database versions not stated): TOPMed 0.00002; gnomAD 0.00003.
gnomAD v4.1: 5 of 1,613,184 alleles (0.00031%); highest among the groups gnomAD compares: African/African-American, 0.0067%; no homozygotes.

Submission:

Labcorp Genetics (formerly Invitae), Labcorp
Classification: Uncertain significance for Primary ciliary dyskinesia 6. Last evaluated: 2023-01-21. Review status: criteria provided, single submitter. Criteria: Invitae Variant Classification Sherloc (09022015). Collection method: clinical testing. Allele origin: germline.
Comment: In summary, the available evidence is currently insufficient to determine the role of this variant in disease. Therefore, it has been classified as a Variant of Uncertain Significance. Advanced modeling of protein sequence and biophysical properties (such as structural, functional, and spatial information, amino acid conservation, physicochemical variation, residue mobility, and thermodynamic stability) performed at Invitae indicates that this missense variant is not expected to disrupt NME8 protein function. This variant has not been reported in the literature in individuals affected with NME8-related conditions. This variant is not present in population databases (gnomAD no frequency). This sequence change replaces proline, which is neutral and non-polar, with alanine, which is neutral and non-polar, at codon 517 of the NME8 protein (p.Pro517Ala).

NM_016616.5(NME8):c.1549C>G (p.Pro517Ala)

Gene: NME8 (NME/NM23 family member 8; plus strand). Cytogenetic location: 7p14.1.
Variant type: single nucleotide variant.
Coding change: c.1549C>G on transcript NM_016616.5 (MANE Select); coding-DNA position 1549, C replaced by G.
Protein change: p.Pro517Ala; replaces proline 517 with alanine.
Molecular consequence: missense variant.
Genome position (GRCh38, 1-based): chr7:37,896,874, C>G. VCF-style: chr7-37896874-C-G. GRCh37 (hg19) VCF-style: chr7-37936476-C-G.
Other names: short protein forms P517A.
Identifiers: ClinVar variation 2903062 (VCV002903062.3), dbSNP rs1316305074, ClinGen allele CA367217313.